The following is an entry in ClinVar:

NM_000245.4(MET):c.2372A>G (p.Gln791Arg)

Gene: MET (MET proto-oncogene, receptor tyrosine kinase; plus strand). Cytogenetic location: 7q31.2.
Variant type: single nucleotide variant.
Coding change: c.2372A>G on transcript NM_000245.4 (MANE Select); coding-DNA position 2372, A replaced by G.
Protein change: p.Gln791Arg; replaces glutamine 791 with arginine.
Molecular consequence: missense variant.
Genome position (GRCh38, 1-based): chr7:116,763,057, A>G. VCF-style: chr7-116763057-A-G. GRCh37 (hg19) VCF-style: chr7-116403111-A-G.
Other names: c.2426A>G, p.Gln809Arg (NM_001127500.3); c.2372A>G, p.Gln791Arg (NM_001324401.3); c.1082A>G, p.Gln361Arg (NM_001324402.2); c.2426A>G (NM_001127500.1); short protein forms Q791R, Q809R, Q361R.
Identifiers: ClinVar variation 1365137 (VCV001365137.9), dbSNP rs1794457657, ClinGen allele CA368982820.

ClinVar aggregate classification (germline): Uncertain significance. Review status: criteria provided, multiple submitters, no conflicts (2 of 4 stars). 2 submissions from 2 submitters: Uncertain significance (2). Last evaluated 2025-10-28.

Conditions:
Renal cell carcinoma. Identifiers: Orphanet 217071, MedGen C0007134, MeSH D002292, MONDO:0005086, HP:0005584.
Hereditary cancer-predisposing syndrome. Also called: Neoplastic Syndromes, Hereditary; Tumor predisposition; Hereditary neoplastic syndrome; Hereditary Cancer Syndrome. Identifiers: Orphanet 140162, MedGen C0027672, MeSH D009386, MONDO:0015356.

Allele frequency attached by ClinVar (database versions not stated): TOPMed 0.00001.

Submissions (2):

Ambry Genetics
Classification: Uncertain significance for Hereditary cancer-predisposing syndrome. Last evaluated: 2025-10-28. Review status: criteria provided, single submitter. Criteria: Ambry Variant Classification Scheme 2023. Collection method: clinical testing. Allele origin: germline.
Comment: The p.Q809R variant (also known as c.2426A>G), located in coding exon 10 of the MET gene, results from an A to G substitution at nucleotide position 2426. The glutamine at codon 809 is replaced by arginine, an amino acid with highly similar properties. This amino acid position is not well conserved in available vertebrate species. In addition, this alteration is predicted to be tolerated by in silico analysis. Based on the available evidence, the clinical significance of this variant remains unclear.

Labcorp Genetics (formerly Invitae), Labcorp
Classification: Uncertain significance for Renal cell carcinoma. Last evaluated: 2023-07-17. Review status: criteria provided, single submitter. Criteria: Invitae Variant Classification Sherloc (09022015). Collection method: clinical testing. Allele origin: germline.
Comment: In summary, the available evidence is currently insufficient to determine the role of this variant in disease. Therefore, it has been classified as a Variant of Uncertain Significance. Advanced modeling of protein sequence and biophysical properties (such as structural, functional, and spatial information, amino acid conservation, physicochemical variation, residue mobility, and thermodynamic stability) performed at Invitae indicates that this missense variant is not expected to disrupt MET protein function. ClinVar contains an entry for this variant (Variation ID: 1365137). This variant has not been reported in the literature in individuals affected with MET-related conditions. This variant is not present in population databases (gnomAD no frequency). This sequence change replaces glutamine, which is neutral and polar, with arginine, which is basic and polar, at codon 809 of the MET protein (p.Gln809Arg).